The following is an entry in ClinVar:

ClinVar aggregate classification (germline): Uncertain significance (1 of 4 stars; one submission).

Submission:

Dasa
Classification: Uncertain significance. Last evaluated: 2025-06-12. Review status: criteria provided, single submitter. Criteria: DASA Assertion Criteria. Collection method: clinical testing. Allele origin: germline.
Comment: NM_001161352.2(KCNMA1):c.2471A>G (p.Glu824Gly) is a missense variant that results in the substitution of glutamic acid with glycine. This variant is absent from population databases. The currently available literature and clinical evidence are not sufficient to establish a definitive association between this variant and the reported condition. Therefore, this variant is classified as a variant of uncertain significance.

NM_001161352.2(KCNMA1):c.2471A>G (p.Glu824Gly)

Genes: KCNMA1 (potassium calcium-activated channel subfamily M alpha 1; minus strand), KCNMA1-AS1 (KCNMA1 antisense RNA 1; plus strand). Cytogenetic location: 10q22.3.
Variant type: single nucleotide variant.
Coding change: c.2471A>G on transcript NM_001161352.2 (MANE Select); coding-DNA position 2471, A replaced by G.
Protein change: p.Glu824Gly; replaces glutamic acid 824 with glycine.
Molecular consequence: missense variant.
Genome position (GRCh38, 1-based): chr10:76,953,814, T>C on the plus strand (A>G on the coding strand, the complement: KCNMA1 is on the minus strand). VCF-style: chr10-76953814-T-C. GRCh37 (hg19) VCF-style: chr10-78713572-T-C.
Other names: c.2309A>G, p.Glu770Gly (NM_001322837.2, NM_001014797.3, NM_001322835.2); c.1844A>G, p.Glu615Gly (NM_001322838.2); c.2297A>G, p.Glu766Gly (NM_001410940.1, NM_002247.4, NM_001161353.2 and 1 more transcripts); c.2429A>G, p.Glu810Gly (NM_001437422.1); c.2384A>G, p.Glu795Gly (NM_001437423.1); c.2147A>G, p.Glu716Gly (NM_001271518.2); c.2306A>G, p.Glu769Gly (NM_001271519.2, NM_001322829.2, NM_001322836.2); c.2318A>G, p.Glu773Gly (NM_001322830.2); short protein forms E615G, E716G, E766G, E769G, E770G, E773G, E795G, E810G.
Identifiers: ClinVar variation 4882557 (VCV004882557.2).